The following is an entry in ClinVar:

NM_004870.4(MPDU1):c.410A>G (p.Tyr137Cys)

Gene: MPDU1 (mannose-P-dolichol utilization defect 1; plus strand). Cytogenetic location: 17p13.1.
Variant type: single nucleotide variant.
Coding change: c.410A>G on transcript NM_004870.4 (MANE Select); coding-DNA position 410, A replaced by G.
Protein change: p.Tyr137Cys; replaces tyrosine 137 with cysteine.
Molecular consequence: missense variant. On other transcripts: non-coding transcript variant (1), intron variant (1).
Genome position (GRCh38, 1-based): chr17:7,586,920, A>G. VCF-style: chr17-7586920-A-G. GRCh37 (hg19) VCF-style: chr17-7490238-A-G.
Other names: c.449+82A>G (NM_001330073.1); short protein forms Y137C.
Identifiers: ClinVar variation 1937258 (VCV001937258.5), dbSNP rs780661968, ClinGen allele CA8352945.

ClinVar aggregate classification (germline): Uncertain significance (1 of 4 stars; one submission).

Conditions:
MPDU1-congenital disorder of glycosylation. Also called: CONGENITAL DISORDER OF GLYCOSYLATION, TYPE If; CDG If; MPDU1-CDG. Identifiers: Orphanet 79323, MedGen C1836669, MONDO:0012211, OMIM 609180.

Allele frequency attached by ClinVar (database versions not stated): ExAC 0.00001; gnomAD 0.00001; TOPMed 0.00002.
gnomAD v4.1: 2 of 1,613,822 alleles (0.00012%); highest among the groups gnomAD compares: African/African-American, 0.0027%; no homozygotes.

Submission:

Labcorp Genetics (formerly Invitae), Labcorp
Classification: Uncertain significance for MPDU1-congenital disorder of glycosylation. Last evaluated: 2026-01-05. Review status: criteria provided, single submitter. Criteria: Invitae Variant Classification Sherloc (09022015). Collection method: clinical testing. Allele origin: germline.
Comment: This sequence change replaces tyrosine, which is neutral and polar, with cysteine, which is neutral and slightly polar, at codon 137 of the MPDU1 protein (p.Tyr137Cys). This variant is present in population databases (rs780661968, gnomAD 0.007%). This variant has not been reported in the literature in individuals affected with MPDU1-related conditions. ClinVar contains an entry for this variant (Variation ID: 1937258). An algorithm developed to predict the effect of missense changes on protein structure and function (PolyPhen-2) suggests that this variant is likely to be tolerated. In summary, the available evidence is currently insufficient to determine the role of this variant in disease. Therefore, it has been classified as a Variant of Uncertain Significance.